The following is an entry in ClinVar:

NM_015693.4(INTU):c.896A>G (p.Gln299Arg)

Gene: INTU (inturned planar cell polarity protein; plus strand). Cytogenetic location: 4q28.1.
Variant type: single nucleotide variant.
Coding change: c.896A>G on transcript NM_015693.4 (MANE Select); coding-DNA position 896, A replaced by G.
Protein change: p.Gln299Arg; replaces glutamine 299 with arginine.
Molecular consequence: missense variant.
Genome position (GRCh38, 1-based): chr4:127,663,508, A>G. VCF-style: chr4-127663508-A-G. GRCh37 (hg19) VCF-style: chr4-128584663-A-G.
Other names: short protein forms Q299R.
Identifiers: ClinVar variation 4741897 (VCV004741897.1).

ClinVar aggregate classification (germline): Uncertain significance (1 of 4 stars; one submission).

Submission:

Labcorp Genetics (formerly Invitae), Labcorp
Classification: Uncertain significance. Last evaluated: 2025-05-02. Review status: criteria provided, single submitter. Criteria: Invitae Variant Classification Sherloc (09022015). Collection method: clinical testing. Allele origin: germline.
Comment: This sequence change replaces glutamine, which is neutral and polar, with arginine, which is basic and polar, at codon 299 of the INTU protein (p.Gln299Arg). This variant is not present in population databases (gnomAD no frequency). This variant has not been reported in the literature in individuals affected with INTU-related conditions. Invitae Evidence Modeling of protein sequence and biophysical properties (such as structural, functional, and spatial information, amino acid conservation, physicochemical variation, residue mobility, and thermodynamic stability) has been performed for this missense variant. However, the output from this modeling did not meet the statistical confidence thresholds required to predict the impact of this variant on INTU protein function. In summary, the available evidence is currently insufficient to determine the role of this variant in disease. Therefore, it has been classified as a Variant of Uncertain Significance.